The following is an entry in ClinVar:

NM_019066.5(MAGEL2):c.410C>T (p.Ala137Val)

Gene: MAGEL2 (MAGE family member L2; minus strand). Cytogenetic location: 15q11.2.
Variant type: single nucleotide variant.
Coding change: c.410C>T on transcript NM_019066.5 (MANE Select); coding-DNA position 410, C replaced by T.
Protein change: p.Ala137Val; replaces alanine 137 with valine.
Molecular consequence: missense variant.
Genome position (GRCh38, 1-based): chr15:23,647,333, G>A on the plus strand (C>T on the coding strand, the complement: MAGEL2 is on the minus strand). VCF-style: chr15-23647333-G-A. GRCh37 (hg19) VCF-style: chr15-23892480-G-A.
Other names: c.410C>T (NM_019066.4); short protein forms A137V.
Identifiers: ClinVar variation 502119 (VCV000502119.10), dbSNP rs1191390513, ClinGen allele CA391337279.

ClinVar aggregate classification (germline): Uncertain significance. Review status: criteria provided, multiple submitters, no conflicts (2 of 4 stars). 3 submissions from 3 submitters: Uncertain significance (3). Last evaluated 2026-01-02.

Conditions:
MAGEL2-related disorder. Also called: MAGEL2-related condition.

Allele frequency attached by ClinVar (database versions not stated): TOPMed 0.00002; gnomAD exomes 0.00004.

Submissions (3):

PreventionGenetics, part of Exact Sciences
Classification: Uncertain significance for MAGEL2-related condition. Last evaluated: 2026-01-02. Review status: criteria provided, single submitter. Criteria: ACMG Guidelines, 2015. Collection method: clinical testing. Allele origin: germline.
Comment: The MAGEL2 c.410C>T variant is predicted to result in the amino acid substitution p.Ala137Val. To our knowledge, this variant has not been reported in the literature. This variant is reported in 0.016% of alleles in individuals of Latino descent in gnomAD. At this time, the clinical significance of this variant is uncertain due to the absence of conclusive functional and genetic evidence.

Labcorp Genetics (formerly Invitae), Labcorp
Classification: Uncertain significance. Last evaluated: 2025-05-22. Review status: criteria provided, single submitter. Criteria: Invitae Variant Classification Sherloc (09022015). Collection method: clinical testing. Allele origin: germline.
Comment: This sequence change replaces alanine, which is neutral and non-polar, with valine, which is neutral and non-polar, at codon 137 of the MAGEL2 protein (p.Ala137Val). This variant is present in population databases (no rsID available, gnomAD 0.02%). This variant has not been reported in the literature in individuals affected with MAGEL2-related conditions. ClinVar contains an entry for this variant (Variation ID: 502119). Experimental studies and prediction algorithms are not available or were not evaluated, and the functional significance of this variant is currently unknown. In summary, the available evidence is currently insufficient to determine the role of this variant in disease. Therefore, it has been classified as a Variant of Uncertain Significance.

Eurofins Ntd Llc (ga)
Classification: Uncertain significance. Last evaluated: 2017-05-26. Review status: criteria provided, single submitter. Criteria: EGL Classification Definitions 2015. Collection method: clinical testing. Allele origin: germline. Observed: 2 variant alleles, 2 heterozygotes.